The following is an entry in ClinVar:

ClinVar aggregate classification (germline): Uncertain significance (1 of 4 stars; one submission).

Conditions:
Hereditary cancer-predisposing syndrome. Also called: Neoplastic Syndromes, Hereditary; Tumor predisposition; Hereditary Cancer Syndrome; Hereditary neoplastic syndrome. Identifiers: Orphanet 140162, MedGen C0027672, MeSH D009386, MONDO:0015356.

Submission:

Ambry Genetics
Classification: Uncertain significance for Hereditary cancer-predisposing syndrome. Last evaluated: 2025-11-10. Review status: criteria provided, single submitter. Criteria: Ambry Variant Classification Scheme 2023. Collection method: clinical testing. Allele origin: germline.
Comment: The p.G9R variant (also known as c.25G>A), located in coding exon 1 of the GREM1 gene, results from a G to A substitution at nucleotide position 25. The glycine at codon 9 is replaced by arginine, an amino acid with dissimilar properties. This amino acid position is conserved. In addition, this alteration is predicted to be tolerated by in silico analysis. Based on the available evidence, the clinical significance of this variant remains unclear.

NM_013372.7(GREM1):c.25G>A (p.Gly9Arg)

Gene: GREM1 (gremlin 1, DAN family BMP antagonist; plus strand). Cytogenetic location: 15q13.3.
Variant type: single nucleotide variant.
Coding change: c.25G>A on transcript NM_013372.7 (MANE Select); coding-DNA position 25, G replaced by A.
Protein change: p.Gly9Arg; replaces glycine 9 with arginine.
Molecular consequence: missense variant.
Genome position (GRCh38, 1-based): chr15:32,730,715, G>A. VCF-style: chr15-32730715-G-A. GRCh37 (hg19) VCF-style: chr15-33022916-G-A.
Other names: c.25G>A, p.Gly9Arg (NM_001191322.2, NM_001191323.2, NM_001368719.1); short protein forms G9R.
Identifiers: ClinVar variation 4643467 (VCV004643467.1).